The following is an entry in ClinVar:

NM_000088.4(COL1A1):c.2675del (p.Ala892fs)

Gene: COL1A1 (collagen type I alpha 1 chain; minus strand). Cytogenetic location: 17q21.33.
Variant type: Deletion.
Coding change: c.2675del on transcript NM_000088.4 (MANE Select); coding-DNA position 2675, one base deleted (C; older notation c.2675delC).
Protein change: p.Ala892fs; shifts the reading frame from alanine 892.
Molecular consequence: frameshift variant.
Genome position (GRCh38, 1-based): chr17:50,189,531, G deleted on the plus strand (C on the coding strand, the reverse complement: COL1A1 is on the minus strand). VCF-style (leftmost placement, unchanged base first): chr17-50189530-AG-A. GRCh37 (hg19) VCF-style: chr17-48266891-AG-A.
Other names: short protein forms A892fs.
Identifiers: ClinVar variation 3647257 (VCV003647257.2).
Genomic context (GRCh38, chr17:50,189,530, plus strand): 5'-CTCACCACGGGGACCTTTGCCGCCTTCTTTGCCAGCAGGACCAGGAGGGCCAGGGGGTCC[AG>A]CATTTCCCTGGATGAGGATAGGAGGGGCTGTCAGACTCCAGGGGGCTCTGGTGCATCATT-3'

ClinVar aggregate classification (germline): Pathogenic (1 of 4 stars; one submission).

Conditions:
Osteogenesis imperfecta type I (OI1). Also called: Classic Non-deforming Osteogenesis Imperfecta with Blue Sclerae; OI, TYPE I; OSTEOGENESIS IMPERFECTA TARDA; OSTEOGENESIS IMPERFECTA WITH BLUE SCLERAE; Osteogenesis imperfecta type 1; Lobstein's Disease. Identifiers: Orphanet 216796, Orphanet 666, MedGen C0023931, MONDO:0008146, OMIM 166200. Disease mechanism: loss of function.

Submission:

Labcorp Genetics (formerly Invitae), Labcorp
Classification: Pathogenic for Osteogenesis imperfecta type I. Last evaluated: 2024-03-21. Review status: criteria provided, single submitter. Criteria: Invitae Variant Classification Sherloc (09022015). Collection method: clinical testing. Allele origin: germline.
Comment: This sequence change creates a premature translational stop signal (p.Ala892Valfs*216) in the COL1A1 gene. It is expected to result in an absent or disrupted protein product. Loss-of-function variants in COL1A1 are known to be pathogenic (PMID: 7942841, 9295084, 9443882). This variant is not present in population databases (gnomAD no frequency). This variant has not been reported in the literature in individuals affected with COL1A1-related conditions. For these reasons, this variant has been classified as Pathogenic.

Literature cited by the submitters: PubMed 7942841; PubMed 9295084; PubMed 9443882.